The following is an entry in ClinVar:

NM_005188.4(CBL):c.88A>C (p.Lys30Gln)

Genes: CBL (Cbl proto-oncogene; plus strand), LOC130006895 (ATAC-STARR-seq lymphoblastoid silent region 3975; plus strand). Cytogenetic location: 11q23.3.
Variant type: single nucleotide variant.
Coding change: c.88A>C on transcript NM_005188.4 (MANE Select); coding-DNA position 88, A replaced by C.
Protein change: p.Lys30Gln; replaces lysine 30 with glutamine.
Molecular consequence: missense variant.
Genome position (GRCh38, 1-based): chr11:119,206,505, A>C. VCF-style: chr11-119206505-A-C. GRCh37 (hg19) VCF-style: chr11-119077215-A-C.
Other names: short protein forms K30Q.
Identifiers: ClinVar variation 5033714 (VCV005033714.1).

ClinVar aggregate classification (germline): Uncertain significance (1 of 4 stars; one submission).

Conditions:
Cardiovascular phenotype. Identifiers: MedGen CN230736.

Submission:

Ambry Genetics
Classification: Uncertain significance for Cardiovascular phenotype. Last evaluated: 2026-06-15. Review status: criteria provided, single submitter. Criteria: Ambry Variant Classification Scheme 2023. Collection method: clinical testing. Allele origin: germline.
Comment: The p.K30Q variant (also known as c.88A>C), located in coding exon 1 of the CBL gene, results from an A to C substitution at nucleotide position 88. The lysine at codon 30 is replaced by glutamine, an amino acid with similar properties. This amino acid position is conserved. In addition, the in silico prediction for this alteration is inconclusive. Based on the available evidence, the clinical significance of this variant remains unclear.